The following is an entry in ClinVar:

NM_030962.4(SBF2):c.3679A>G (p.Ser1227Gly)

Gene: SBF2 (SET binding factor 2; minus strand). Cytogenetic location: 11p15.4.
Variant type: single nucleotide variant.
Coding change: c.3679A>G on transcript NM_030962.4 (MANE Select); coding-DNA position 3679, A replaced by G.
Protein change: p.Ser1227Gly; replaces serine 1227 with glycine.
Molecular consequence: missense variant.
Genome position (GRCh38, 1-based): chr11:9,829,470, T>C on the plus strand (A>G on the coding strand, the complement: SBF2 is on the minus strand). VCF-style: chr11-9829470-T-C. GRCh37 (hg19) VCF-style: chr11-9851017-T-C.
Other names: c.3679A>G, p.Ser1227Gly (NM_001386339.1); c.3550A>G, p.Ser1184Gly (NM_001386342.1); short protein forms S1227G, S1184G.
Identifiers: ClinVar variation 857285 (VCV000857285.9), dbSNP rs368618956, ClinGen allele CA5881189.

ClinVar aggregate classification (germline): Uncertain significance (1 of 4 stars; one submission).

Conditions:
Charcot-Marie-Tooth disease type 4. Also called: Charcot-Marie-Tooth disease, type IV; Charcot-Marie-Tooth, Type 4. Identifiers: Orphanet 64749, MedGen C4082197, MONDO:0018995.

Allele frequency attached by ClinVar (database versions not stated): gnomAD exomes below 0.00001 and 0.00001; TOPMed below 0.00001; ExAC 0.00001; ESP Exome Variant Server 0.00008.
gnomAD v4.1: 1 of 1,612,808 alleles (0.000062%); highest among the groups gnomAD compares: Admixed American, 0.0017%; no homozygotes.

Submission:

Labcorp Genetics (formerly Invitae), Labcorp
Classification: Uncertain significance for Charcot-Marie-Tooth disease type 4. Last evaluated: 2025-08-18. Review status: criteria provided, single submitter. Criteria: Invitae Variant Classification Sherloc (09022015). Collection method: clinical testing. Allele origin: germline.
Comment: This sequence change replaces serine, which is neutral and polar, with glycine, which is neutral and non-polar, at codon 1227 of the SBF2 protein (p.Ser1227Gly). This variant is present in population databases (rs368618956, gnomAD 0.007%). This variant has not been reported in the literature in individuals affected with SBF2-related conditions. ClinVar contains an entry for this variant (Variation ID: 857285). Invitae Evidence Modeling of protein sequence and biophysical properties (such as structural, functional, and spatial information, amino acid conservation, physicochemical variation, residue mobility, and thermodynamic stability) indicates that this missense variant is expected to disrupt SBF2 protein function with a positive predictive value of 80%. In summary, the available evidence is currently insufficient to determine the role of this variant in disease. Therefore, it has been classified as a Variant of Uncertain Significance.